The following is an entry in ClinVar:

ClinVar aggregate classification (germline): Uncertain significance (1 of 4 stars; one submission).

Conditions:
Developmental and epileptic encephalopathy 94 (DEE94). Also called: CHD2-Related Neurodevelopmental Disorders; Epileptic encephalopathy, childhood-onset. Identifiers: Orphanet 1942, Orphanet 2382, MedGen C3809278, MONDO:0014150, OMIM 615369.

Submission:

Labcorp Genetics (formerly Invitae), Labcorp
Classification: Uncertain significance for Developmental and epileptic encephalopathy 94. Last evaluated: 2022-07-12. Review status: criteria provided, single submitter. Criteria: Invitae Variant Classification Sherloc (09022015). Collection method: clinical testing. Allele origin: germline.
Comment: A copy number gain of the genomic region encompassing the full coding sequence of the CHD2 gene has been identified. The boundaries of this event are unknown as they extend beyond the assayed region for this gene and therefore may encompass additional genes. As the precise location of this event is unknown, it may be in tandem or it may be located elsewhere in the genome. This variant has not been reported in the literature in individuals affected with CHD2-related conditions. In summary, the available evidence is currently insufficient to determine the role of this variant in disease. Therefore, it has been classified as a Variant of Uncertain Significance.

NC_000015.9:g.(?_93444468)_(93583743_?)dup

Gene: CHD2 (chromodomain helicase DNA binding protein 2; plus strand). Cytogenetic location: 15q26.1.
Variant type: Duplication.
Identifiers: ClinVar variation 1040121 (VCV001040121.2).